The following is an entry in ClinVar:

ClinVar aggregate classification (germline): Conflicting classifications of pathogenicity. Review status: criteria provided, conflicting classifications (1 of 4 stars). 2 submissions from 2 submitters: Likely pathogenic (1); Uncertain significance (1). Last evaluated 2025-12-22.

Allele frequency attached by ClinVar (database versions not stated): ExAC 0.00001; gnomAD exomes 0.00001.
gnomAD v4.1: 3 of 1,612,936 alleles (0.00019%); highest among the groups gnomAD compares: Non-Finnish European, 0.000085%; no homozygotes.

Submissions (2):

Labcorp Genetics (formerly Invitae), Labcorp
Classification: Uncertain significance. Last evaluated: 2025-12-22. Review status: criteria provided, single submitter. Criteria: Invitae Variant Classification Sherloc (09022015). Collection method: clinical testing. Allele origin: germline.
Comment: This sequence change replaces lysine, which is basic and polar, with glutamine, which is neutral and polar, at codon 1710 of the ABCA4 protein (p.Lys1710Gln). This variant is present in population databases (rs778747291, gnomAD 0.005%). This variant has not been reported in the literature in individuals affected with ABCA4-related conditions. ClinVar contains an entry for this variant (Variation ID: 431800). Invitae Evidence Modeling of protein sequence and biophysical properties (such as structural, functional, and spatial information, amino acid conservation, physicochemical variation, residue mobility, and thermodynamic stability) indicates that this missense variant is expected to disrupt ABCA4 protein function with a positive predictive value of 95%. In summary, the available evidence is currently insufficient to determine the role of this variant in disease. Therefore, it has been classified as a Variant of Uncertain Significance.

GeneDx
Classification: Likely pathogenic. Last evaluated: 2013-05-16. Review status: criteria provided, single submitter. Criteria: GeneDx Variant Classification (06012015). Collection method: clinical testing. Allele origin: germline. Affected: yes.
Comment: The K1710Q missense change in the ABCA4 gene has not been reported as a pathogenic variant or as a benign polymorphism to our knowledge. The K1710Q amino acid substitution is non-conservative with a positively charged residue (Lys) being replaced by a neutral residue (Gln). The residue at which this substitution occurs is well conserved across species in the ABCR protein. According to the Human Gene Mutation Database (HGMD), other missense mutations in nearby residues (R1705Q, R1705L, R1705W, Q1713R) have been reported in association with ABCA4-related disorders. The K1710Q variant was not observed in approximately 6,500 individuals of European and African American ancestry in an external variant database, indicating it is not a common benign variant in these populations. Therefore, K1710Q is a strong candidate for a pathogenic variant, although the possibility that it is a benign polymorphism cannot be completely excluded.

NM_000350.3(ABCA4):c.5128A>C (p.Lys1710Gln)

Gene: ABCA4 (ATP binding cassette subfamily A member 4; minus strand). Cytogenetic location: 1p22.1.
Variant type: single nucleotide variant.
Coding change: c.5128A>C on transcript NM_000350.3 (MANE Select); coding-DNA position 5128, A replaced by C.
Protein change: p.Lys1710Gln; replaces lysine 1710 with glutamine.
Molecular consequence: missense variant.
Genome position (GRCh38, 1-based): chr1:94,019,650, T>G on the plus strand (A>C on the coding strand, the complement: ABCA4 is on the minus strand). VCF-style: chr1-94019650-T-G. GRCh37 (hg19) VCF-style: chr1-94485206-T-G.
Other names: c.4906A>C, p.Lys1636Gln (NM_001425324.1); short protein forms K1710Q, K1636Q.
Identifiers: ClinVar variation 431800 (VCV000431800.3), dbSNP rs778747291, ClinGen allele CA957374.
Genomic context (GRCh38, chr1:94,019,650, plus strand): 5'-AGAGGAAGTTGGTCACCCAGTAGGTGGTGGGGCTCACTCCACTGATAAACTGGAGGTGCT[T>G]GGATTTGTTCACCCGCTCCTGGATCAAATAAAGGACAAAGCTGGCTGGGACGAAGGACAT-3'
Protein context (NP_000341.2, residues 1700-1720): YLIQERVNKS[Lys1710Gln]HLQFISGVSP